The following is an entry in ClinVar:

NM_006158.5(NEFL):c.1319C>G (p.Pro440Arg)

Gene: NEFL (neurofilament light chain; minus strand). Cytogenetic location: 8p21.2.
Variant type: single nucleotide variant.
Coding change: c.1319C>G on transcript NM_006158.5 (MANE Select); coding-DNA position 1319, C replaced by G.
Protein change: p.Pro440Arg; replaces proline 440 with arginine.
Molecular consequence: missense variant.
Genome position (GRCh38, 1-based): chr8:24,953,646, G>C on the plus strand (C>G on the coding strand, the complement: NEFL is on the minus strand). VCF-style: chr8-24953646-G-C. GRCh37 (hg19) VCF-style: chr8-24811160-G-C.
Other names: short protein forms P440R.
Identifiers: ClinVar variation 3637077 (VCV003637077.2).

ClinVar aggregate classification (germline): Uncertain significance (1 of 4 stars; one submission).

Conditions:
Charcot-Marie-Tooth disease type 2E (CMT2E). Also called: CHARCOT-MARIE-TOOTH DISEASE, AXONAL, TYPE 2E; CHARCOT-MARIE-TOOTH NEUROPATHY, TYPE 2E. Identifiers: Orphanet 99939, MedGen C1843225, MONDO:0011894, OMIM 607684.

Submission:

Labcorp Genetics (formerly Invitae), Labcorp
Classification: Uncertain significance for Charcot-Marie-Tooth disease type 2E. Last evaluated: 2024-08-20. Review status: criteria provided, single submitter. Criteria: Invitae Variant Classification Sherloc (09022015). Collection method: clinical testing. Allele origin: germline.
Comment: This sequence change replaces proline, which is neutral and non-polar, with arginine, which is basic and polar, at codon 440 of the NEFL protein (p.Pro440Arg). This variant is present in population databases (no rsID available, gnomAD 0.007%). This variant has not been reported in the literature in individuals affected with NEFL-related conditions. Invitae Evidence Modeling of protein sequence and biophysical properties (such as structural, functional, and spatial information, amino acid conservation, physicochemical variation, residue mobility, and thermodynamic stability) has been performed for this missense variant. However, the output from this modeling did not meet the statistical confidence thresholds required to predict the impact of this variant on NEFL protein function. This variant disrupts the p.Pro440 amino acid residue in NEFL. Other variant(s) that disrupt this residue have been determined to be pathogenic (PMID: 21149811, 25802885, 30373780; internal data). This suggests that this residue is clinically significant, and that variants that disrupt this residue are likely to be disease-causing. In summary, the available evidence is currently insufficient to determine the role of this variant in disease. Therefore, it has been classified as a Variant of Uncertain Significance.

Literature cited by the submitters: PubMed 21149811; PubMed 25802885; PubMed 30373780.